The following is an entry in ClinVar:

NM_006790.3(MYOT):c.*190C>G

Genes: MYOT (myotilin; plus strand), PKD2L2-DT (PKD2L2 divergent transcript; minus strand). Cytogenetic location: 5q31.2.
Variant type: single nucleotide variant.
Coding change: c.*190C>G on transcript NM_006790.3 (MANE Select); 190 bases downstream of the stop codon, C replaced by G.
Molecular consequence: 3 prime UTR variant.
Genome position (GRCh38, 1-based): chr5:137,887,575, C>G. VCF-style: chr5-137887575-C-G. GRCh37 (hg19) VCF-style: chr5-137223264-C-G.
Other names: c.*190C>G (NM_001135940.2, NM_001300911.2).
Identifiers: ClinVar variation 351032 (VCV000351032.8), dbSNP rs74711051, ClinGen allele CA10622738.

ClinVar aggregate classification (germline): Benign. Review status: criteria provided, multiple submitters, no conflicts (2 of 4 stars). 2 submissions from 2 submitters: Benign (2). Last evaluated 2018-08-03.

Conditions:
Myofibrillar myopathy 3 (MFM3). Also called: Muscular dystrophy, proximal, type 1A; Autosomal dominant spheroid body myopathy. Identifiers: Orphanet 266, Orphanet 268129, MedGen C3714934, MONDO:0012215, OMIM 609200.

Allele frequency attached by ClinVar (database versions not stated): gnomAD exomes 0.00198; gnomAD 0.01760 and 0.01853; TOPMed 0.02023; 1000 Genomes Project 0.02496; 1000 Genomes Project 30x 0.02717.

Submissions (2):

GeneDx
Classification: Benign. Last evaluated: 2018-08-03. Review status: criteria provided, single submitter. Criteria: GeneDx Variant Classification Process June 2021. Collection method: clinical testing. Allele origin: germline. Affected: yes.

Illumina Laboratory Services, Illumina
Classification: Benign for Myofibrillar myopathy 3. Last evaluated: 2018-01-13. Review status: criteria provided, single submitter. Criteria: ICSL Variant Classification Criteria 13 December 2019. Collection method: clinical testing. Allele origin: germline.
Comment: This variant was observed in the ICSL laboratory as part of a predisposition screen in an ostensibly healthy population. It had not been previously curated by ICSL or reported in the Human Gene Mutation Database (HGMD: prior to June 1st, 2018), and was therefore a candidate for classification through an automated scoring system. Utilizing variant allele frequency, disease prevalence and penetrance estimates, and inheritance mode, an automated score was calculated to assess if this variant is too frequent to cause the disease. Based on the score and internal cut-off values, a variant classified as benign is not then subjected to further curation. The score for this variant resulted in a classification of benign for this disease.